The following is an entry in ClinVar:

ClinVar aggregate classification (germline): Uncertain significance (1 of 4 stars; one submission).

Conditions:
Severe combined immunodeficiency due to CORO1A deficiency. Also called: Immunodeficiency 8; IMMUNODEFICIENCY 8 WITH LYMPHOPROLIFERATION. Identifiers: Orphanet 228003, MedGen C3809383, MONDO:0014168, OMIM 615401.

Submission:

Labcorp Genetics (formerly Invitae), Labcorp
Classification: Uncertain significance for Severe combined immunodeficiency due to CORO1A deficiency. Last evaluated: 2025-06-22. Review status: criteria provided, single submitter. Criteria: Invitae Variant Classification Sherloc (09022015). Collection method: clinical testing. Allele origin: germline.
Comment: This sequence change replaces lysine, which is basic and polar, with threonine, which is neutral and polar, at codon 287 of the CORO1A protein (p.Lys287Thr). This variant is not present in population databases (gnomAD no frequency). This variant has not been reported in the literature in individuals affected with CORO1A-related conditions. An algorithm developed to predict the effect of missense changes on protein structure and function (PolyPhen-2) suggests that this variant is likely to be disruptive. Algorithms developed to predict the effect of sequence changes on RNA splicing suggest that this variant may disrupt the consensus splice site. In summary, the available evidence is currently insufficient to determine the role of this variant in disease. Therefore, it has been classified as a Variant of Uncertain Significance.

NM_007074.4(CORO1A):c.860A>C (p.Lys287Thr)

Gene: CORO1A (coronin 1A; plus strand). Cytogenetic location: 16p11.2.
Variant type: single nucleotide variant.
Coding change: c.860A>C on transcript NM_007074.4 (MANE Select); coding-DNA position 860, A replaced by C.
Protein change: p.Lys287Thr; replaces lysine 287 with threonine.
Molecular consequence: missense variant.
Genome position (GRCh38, 1-based): chr16:30,187,828, A>C. VCF-style: chr16-30187828-A-C. GRCh37 (hg19) VCF-style: chr16-30199149-A-C.
Other names: c.860A>C, p.Lys287Thr (NM_001193333.3); short protein forms K287T.
Identifiers: ClinVar variation 4720987 (VCV004720987.1).
Genomic context (GRCh38, chr16:30,187,828, plus strand): 5'-GCAGCGGTGTCCTGCTGCCCTTCTTTGACCCTGACACCAACATCGTCTACCTCTGTGGCA[A>C]GGTGGCCTCGTCGGGCGGGGTGGGGGTGGGAGGTGGGCAGGATGGGCCTGGAGAGGGCCA-3'
Protein context (NP_009005.1, residues 277-297): PDTNIVYLCG[Lys287Thr]GDSSIRYFEI